The following is an entry in ClinVar:

NM_001369369.1(FOXN1):c.416A>G (p.Glu139Gly)

Gene: FOXN1 (forkhead box N1; plus strand). Cytogenetic location: 17q11.2.
Variant type: single nucleotide variant.
Coding change: c.416A>G on transcript NM_001369369.1 (MANE Select); coding-DNA position 416, A replaced by G.
Protein change: p.Glu139Gly; replaces glutamic acid 139 with glycine.
Molecular consequence: missense variant.
Genome position (GRCh38, 1-based): chr17:28,524,795, A>G. VCF-style: chr17-28524795-A-G. GRCh37 (hg19) VCF-style: chr17-26851813-A-G.
Other names: c.416A>G, p.Glu139Gly (NM_003593.3); short protein forms E139G.
Identifiers: ClinVar variation 3626425 (VCV003626425.2).

ClinVar aggregate classification (germline): Uncertain significance (1 of 4 stars; one submission).

Conditions:
T-cell immunodeficiency, congenital alopecia, and nail dystrophy. Also called: Congenital alopecia and nail dystrophy associated with severe functional T-cell immunodeficiency; Pignata Guarino syndrome. Identifiers: Orphanet 169095, MedGen C1866426, MONDO:0011132, OMIM 601705.

gnomAD v4.1: 5 of 1,613,466 alleles (0.00031%); highest among the groups gnomAD compares: African/African-American, 0.0067%; no homozygotes.

Submission:

Labcorp Genetics (formerly Invitae), Labcorp
Classification: Uncertain significance for T-cell immunodeficiency, congenital alopecia, and nail dystrophy. Last evaluated: 2024-07-31. Review status: criteria provided, single submitter. Criteria: Invitae Variant Classification Sherloc (09022015). Collection method: clinical testing. Allele origin: germline.
Comment: This sequence change replaces glutamic acid, which is acidic and polar, with glycine, which is neutral and non-polar, at codon 139 of the FOXN1 protein (p.Glu139Gly). This variant is present in population databases (rs762569174, gnomAD 0.008%). This variant has not been reported in the literature in individuals affected with FOXN1-related conditions. Advanced modeling of protein sequence and biophysical properties (such as structural, functional, and spatial information, amino acid conservation, physicochemical variation, residue mobility, and thermodynamic stability) performed at Invitae indicates that this missense variant is not expected to disrupt FOXN1 protein function with a negative predictive value of 80%. In summary, the available evidence is currently insufficient to determine the role of this variant in disease. Therefore, it has been classified as a Variant of Uncertain Significance.